The following is an entry in ClinVar:

ClinVar aggregate classification (germline): Pathogenic (1 of 4 stars; one submission).

Conditions:
Familial thoracic aortic aneurysm and aortic dissection (TAAD). Also called: Thoracic aortic aneurysms and dissections. Identifiers: Orphanet 91387, MedGen C4707243, MONDO:0019625.
Marfan syndrome (MFS). Also called: FBN1-Related Marfan Syndrome; Marfan's syndrome; MARFAN SYNDROME, TYPE I; Marfan syndrome type 1; Marfan syndrome, classic. Identifiers: Orphanet 284963, Orphanet 558, MedGen C0024796, MONDO:0007947, OMIM 154700.

Submission:

Labcorp Genetics (formerly Invitae), Labcorp
Classification: Pathogenic for Marfan syndrome; Familial thoracic aortic aneurysm and aortic dissection. Last evaluated: 2019-03-07. Review status: criteria provided, single submitter. Criteria: Invitae Variant Classification Sherloc (09022015). Collection method: clinical testing. Allele origin: germline.
Comment: This variant is not present in population databases (ExAC no frequency). This sequence change results in a premature translational stop signal in the FBN1 gene (p.Leu2780Profs*21). While this is not anticipated to result in nonsense mediated decay, it is expected to disrupt the last 92 amino acids of the FBN1 protein. For these reasons, this variant has been classified as Pathogenic. This variant disrupts the C-terminus of the FBN1 protein. Other variant(s) that disrupt this region (p.Tyr2853Thrfs*10, p.Leu2858Thrfs*3, p.Gln2867*) have been determined to be pathogenic (PMID: 25101912, 26410935, 19293843). This suggests that variants that disrupt this region of the protein are likely to be causative of disease.

Literature cited by the submitters: PubMed 25101912; PubMed 26410935; PubMed 19293843.

NM_000138.5(FBN1):c.8338dup (p.Leu2780fs)

Gene: FBN1 (fibrillin 1; minus strand). Cytogenetic location: 15q21.1.
Variant type: Duplication.
Coding change: c.8338dup on transcript NM_000138.5 (MANE Select); coding-DNA position 8338, one base duplicated (C; older notation c.8338dupC).
Protein change: p.Leu2780fs; shifts the reading frame from leucine 2780.
Molecular consequence: frameshift variant.
Genome position (GRCh38, 1-based): chr15:48,411,268, G duplicated on the plus strand (C on the coding strand, the reverse complement: FBN1 is on the minus strand). VCF-style (leftmost placement, unchanged base first): chr15-48411267-A-AG. GRCh37 (hg19) VCF-style: chr15-48703464-A-AG.
Other names: short protein forms L2780fs.
Identifiers: ClinVar variation 839703 (VCV000839703.9), dbSNP rs2042860621, ClinGen allele CA916082398.
Genomic context (GRCh38, chr15:48,411,267, plus strand): 5'-TCATTTCCAGATTCGATCAAGTATCTGTTGTGATTCGTCAGAGTTGTAAGAGCTGGAAGG[A>AG]GTTCTAGGATTCGAACCTTGTTACTGACGTGGGAAATATTGAAAGCAAAGATGGCTGTCT-3'